The following is an entry in ClinVar:

ClinVar aggregate classification (germline): Uncertain significance. Review status: criteria provided, multiple submitters, no conflicts (2 of 4 stars). 2 submissions from 2 submitters: Uncertain significance (2). Last evaluated 2024-06-26.

Conditions:
Inborn genetic diseases. Identifiers: MedGen C0950123, MeSH D030342.
Combined immunodeficiency due to STK4 deficiency (IMD110). Also called: MST1 DEFICIENCY; STK4 DEFICIENCY; T-cell immunodeficiency, recurrent infections, and autoimmunity with or without cardiac malformations. Identifiers: Orphanet 314689, MedGen C3553943, MONDO:0013934, OMIM 614868.

Allele frequency attached by ClinVar (database versions not stated): gnomAD exomes 0.00003; ExAC 0.00005; gnomAD 0.00007 and 0.00008; ESP Exome Variant Server 0.00008; TOPMed 0.00011; 1000 Genomes Project 30x 0.00016; 1000 Genomes Project 0.00020.
gnomAD v4.1: 56 of 1,613,916 alleles (0.0035%); highest among the groups gnomAD compares: Admixed American, 0.012%; no homozygotes.

Submissions (2):

Ambry Genetics
Classification: Uncertain significance for Inborn genetic diseases. Last evaluated: 2024-06-26. Review status: criteria provided, single submitter. Criteria: Ambry Variant Classification Scheme 2023. Collection method: clinical testing. Allele origin: germline.

Labcorp Genetics (formerly Invitae), Labcorp
Classification: Uncertain significance for Combined immunodeficiency due to STK4 deficiency. Last evaluated: 2022-01-27. Review status: criteria provided, single submitter. Criteria: Invitae Variant Classification Sherloc (09022015). Collection method: clinical testing. Allele origin: germline.
Comment: This sequence change replaces arginine, which is basic and polar, with tryptophan, which is neutral and slightly polar, at codon 483 of the STK4 protein (p.Arg483Trp). This variant is present in population databases (rs201951179, gnomAD 0.008%). This variant has not been reported in the literature in individuals affected with STK4-related conditions. ClinVar contains an entry for this variant (Variation ID: 649857). Advanced modeling of protein sequence and biophysical properties (such as structural, functional, and spatial information, amino acid conservation, physicochemical variation, residue mobility, and thermodynamic stability) performed at Invitae indicates that this missense variant is not expected to disrupt STK4 protein function. In summary, the available evidence is currently insufficient to determine the role of this variant in disease. Therefore, it has been classified as a Variant of Uncertain Significance.

NM_006282.5(STK4):c.1447C>T (p.Arg483Trp)

Gene: STK4 (serine/threonine kinase 4; plus strand). Cytogenetic location: 20q13.12.
Variant type: single nucleotide variant.
Coding change: c.1447C>T on transcript NM_006282.5 (MANE Select); coding-DNA position 1447, C replaced by T.
Protein change: p.Arg483Trp; replaces arginine 483 with tryptophan.
Molecular consequence: missense variant. On other transcripts: 3 prime UTR variant (1).
Genome position (GRCh38, 1-based): chr20:45,075,159, C>T. VCF-style: chr20-45075159-C-T. GRCh37 (hg19) VCF-style: chr20-43703800-C-T.
Other names: c.*153C>T (NM_001352385.2); c.1447C>T (NM_006282.2); short protein forms R483W.
Identifiers: ClinVar variation 649857 (VCV000649857.8), dbSNP rs201951179, ClinGen allele CA9874090.